The following is an entry in ClinVar:

NM_002180.3(IGHMBP2):c.797del (p.Gly266fs)

Gene: IGHMBP2 (immunoglobulin mu DNA binding protein 2; plus strand). Cytogenetic location: 11q13.3.
Variant type: Deletion.
Coding change: c.797del on transcript NM_002180.3 (MANE Select); coding-DNA position 797, one base deleted (G; older notation c.797delG).
Protein change: p.Gly266fs; shifts the reading frame from glycine 266.
Molecular consequence: frameshift variant.
Genome position (GRCh38, 1-based): chr11:68,914,908, G deleted; the last of 3 consecutive G bases (chr11:68,914,906-68,914,908); deleting any one gives the same sequence. VCF-style (leftmost placement, unchanged base first): chr11-68914905-TG-T. GRCh37 (hg19) VCF-style: chr11-68682373-TG-T.
Other names: short protein forms G266fs.
Identifiers: ClinVar variation 2950068 (VCV002950068.3), dbSNP rs2495981397, ClinGen allele CA2740093107.

ClinVar aggregate classification (germline): Pathogenic (1 of 4 stars; one submission).

Conditions:
Charcot-Marie-Tooth disease axonal type 2S. Also called: CHARCOT-MARIE-TOOTH DISEASE, AXONAL, AUTOSOMAL RECESSIVE, TYPE 2S; CHARCOT-MARIE-TOOTH NEUROPATHY, TYPE 2S. Identifiers: Orphanet 443073, MedGen C4015349, MONDO:0014511, OMIM 616155.
Autosomal recessive distal spinal muscular atrophy 1. Also called: HMN VI; NEURONOPATHY, SEVERE INFANTILE AXONAL, WITH RESPIRATORY FAILURE; SEVERE INFANTILE AXONAL NEUROPATHY WITH RESPIRATORY FAILURE; SPINAL MUSCULAR ATROPHY, DIAPHRAGMATIC; Spinal muscular atrophy with respiratory distress 1; NEURONOPATHY, DISTAL HEREDITARY MOTOR, HARDING TYPE VI. Identifiers: Orphanet 98920, MedGen C1858517, MONDO:0011436, OMIM 604320.

Submission:

Labcorp Genetics (formerly Invitae), Labcorp
Classification: Pathogenic for Autosomal recessive distal spinal muscular atrophy 1; Charcot-Marie-Tooth disease axonal type 2S. Last evaluated: 2023-11-17. Review status: criteria provided, single submitter. Criteria: Invitae Variant Classification Sherloc (09022015). Collection method: clinical testing. Allele origin: germline.
Comment: This sequence change creates a premature translational stop signal (p.Gly266Aspfs*19) in the IGHMBP2 gene. It is expected to result in an absent or disrupted protein product. Loss-of-function variants in IGHMBP2 are known to be pathogenic (PMID: 14681881, 25439726, 25568292). This variant is not present in population databases (gnomAD no frequency). This variant has not been reported in the literature in individuals affected with IGHMBP2-related conditions. For these reasons, this variant has been classified as Pathogenic.

Literature cited by the submitters: PubMed 14681881; PubMed 25439726; PubMed 25568292.